The following is an entry in ClinVar:

ClinVar aggregate classification (germline): Benign/Likely benign. Review status: criteria provided, multiple submitters, no conflicts (2 of 4 stars). 3 submissions from 3 submitters: Benign (1); Likely benign (2). Last evaluated 2025-11-18.

Conditions:
Hyperkalemic periodic paralysis. Also called: Familial hyperkalemic periodic paralysis; Gamstorp disease. Identifiers: Orphanet 682, MedGen C0238357, MONDO:0008224, OMIM 170500, HP:0007215.

Allele frequency attached by ClinVar (database versions not stated): TOPMed 0.00006; gnomAD 0.00010; 1000 Genomes Project 30x 0.00031; 1000 Genomes Project 0.00040.

Submissions (3):

Labcorp Genetics (formerly Invitae), Labcorp
Classification: Likely benign for Hyperkalemic periodic paralysis. Last evaluated: 2025-11-18. Review status: criteria provided, single submitter. Criteria: Invitae Variant Classification Sherloc (09022015). Collection method: clinical testing. Allele origin: germline.

Athena Diagnostics
Classification: Benign. Last evaluated: 2020-01-30. Review status: criteria provided, single submitter. Criteria: Athena Diagnostics Criteria. Collection method: clinical testing. Allele origin: unknown.

GeneDx
Classification: Likely benign. Last evaluated: 2017-08-30. Review status: criteria provided, single submitter. Criteria: GeneDx Variant Classification (06012015). Collection method: clinical testing. Allele origin: germline. Affected: yes.
Comment: This variant is considered likely benign or benign based on one or more of the following criteria: it is a conservative change, it occurs at a poorly conserved position in the protein, it is predicted to be benign by multiple in silico algorithms, and/or has population frequency not consistent with disease.

NM_000334.4(SCN4A):c.4410G>A (p.Thr1470=)

Genes: SCN4A (sodium voltage-gated channel alpha subunit 4; minus strand), GH-LCR (growth hormone locus control region; plus strand). Cytogenetic location: 17q23.3.
Variant type: single nucleotide variant.
Coding change: c.4410G>A on transcript NM_000334.4 (MANE Select); coding-DNA position 4410, G replaced by A.
Protein change: p.Thr1470=; no amino-acid change (threonine 1470 retained).
Molecular consequence: synonymous variant.
Genome position (GRCh38, 1-based): chr17:63,941,872, C>T on the plus strand (G>A on the coding strand, the complement: SCN4A is on the minus strand). VCF-style: chr17-63941872-C-T. GRCh37 (hg19) VCF-style: chr17-62019232-C-T.
Identifiers: ClinVar variation 511743 (VCV000511743.11), dbSNP rs534861830, ClinGen allele CA8708968.